The following is an entry in ClinVar:

NM_004168.4(SDHA):c.509A>T (p.Gln170Leu)

Gene: SDHA (succinate dehydrogenase complex flavoprotein subunit A; plus strand). Cytogenetic location: 5p15.33.
Variant type: single nucleotide variant.
Coding change: c.509A>T on transcript NM_004168.4 (MANE Select); coding-DNA position 509, A replaced by T.
Protein change: p.Gln170Leu; replaces glutamine 170 with leucine.
Molecular consequence: missense variant.
Genome position (GRCh38, 1-based): chr5:225,935, A>T. VCF-style: chr5-225935-A-T. GRCh37 (hg19) VCF-style: chr5-226050-A-T.
Other names: c.365A>T, p.Gln122Leu (NM_001294332.2); c.509A>T, p.Gln170Leu (NM_001330758.2); short protein forms Q122L, Q170L.
Identifiers: ClinVar variation 1487891 (VCV001487891.6), dbSNP rs2126549625, ClinGen allele CA359010105.

ClinVar aggregate classification (germline): Uncertain significance (1 of 4 stars; one submission).

Conditions:
Mitochondrial complex II deficiency, nuclear type 1. Also called: SUCCINATE CoQ REDUCTASE DEFICIENCY. Identifiers: Orphanet 3208, MedGen C5700310, MONDO:0100294, OMIM 252011.
Pheochromocytoma/paraganglioma syndrome 5. Also called: Paragangliomas 5; SDHA-Related Hereditary Paraganglioma-Pheochromocytoma Syndrome. Identifiers: Orphanet 29072, MedGen C3279992, MONDO:0013602, OMIM 614165.

Submission:

Labcorp Genetics (formerly Invitae), Labcorp
Classification: Uncertain significance for Pheochromocytoma/paraganglioma syndrome 5; Mitochondrial complex II deficiency, nuclear type 1. Last evaluated: 2021-11-09. Review status: criteria provided, single submitter. Criteria: Invitae Variant Classification Sherloc (09022015). Collection method: clinical testing. Allele origin: germline.
Comment: In summary, the available evidence is currently insufficient to determine the role of this variant in disease. Therefore, it has been classified as a Variant of Uncertain Significance. Algorithms developed to predict the effect of missense changes on protein structure and function (SIFT, PolyPhen-2, Align-GVGD) all suggest that this variant is likely to be disruptive. This variant has not been reported in the literature in individuals affected with SDHA-related conditions. This variant is not present in population databases (gnomAD no frequency). This sequence change replaces glutamine, which is neutral and polar, with leucine, which is neutral and non-polar, at codon 170 of the SDHA protein (p.Gln170Leu).